The following is an entry in ClinVar:

ClinVar aggregate classification (germline): Benign/Likely benign. Review status: criteria provided, multiple submitters, no conflicts (2 of 4 stars). 4 submissions from 4 submitters: Benign (1); Likely benign (3). Last evaluated 2022-03-01.

Conditions:
Intellectual developmental disorder, X-linked 104. Also called: Intellectual disability, X-linked 104. Identifiers: MedGen C4310817, MONDO:0010509, OMIM 300983.

Allele frequency attached by ClinVar (database versions not stated): gnomAD 0.00021 and 0.00029; gnomAD exomes 0.00077 and 0.00023; 1000 Genomes Project 30x 0.00208; TOPMed 0.00036; 1000 Genomes Project 0.00238; ExAC 0.00064.
gnomAD v4.1: 308 of 1,178,981 alleles (0.026%); highest among the groups gnomAD compares: East Asian, 0.76%; no homozygotes.

Submissions (4):

CeGaT Center for Human Genetics Tuebingen
Classification: Likely benign. Last evaluated: 2022-03-01. Review status: criteria provided, single submitter. Criteria: CeGaT Center For Human Genetics Tuebingen Variant Classification Criteria Version 2. Collection method: clinical testing. Allele origin: germline. Affected: yes. Observed: 1 variant allele.
Comment: FRMPD4: BP4, BP7

Fulgent Genetics
Classification: Likely benign for Intellectual developmental disorder, X-linked 104. Last evaluated: 2022-01-18. Review status: criteria provided, single submitter. Criteria: ACMG Guidelines, 2015. Collection method: clinical testing. Allele origin: unknown.

Labcorp Genetics (formerly Invitae), Labcorp
Classification: Benign. Last evaluated: 2018-04-26. Review status: criteria provided, single submitter. Criteria: Invitae Variant Classification Sherloc (09022015). Collection method: clinical testing. Allele origin: germline.

Genetic Services Laboratory, University of Chicago
Classification: Likely benign. Last evaluated: 2017-11-22. Review status: criteria provided, single submitter. Criteria: ACMG Guidelines, 2015. Collection method: clinical testing. Allele origin: germline. Affected: no.

NM_001368397.1(FRMPD4):c.1224T>C (p.His408=)

Gene: FRMPD4 (FERM and PDZ domain containing 4; plus strand). Cytogenetic location: Xp22.2.
Variant type: single nucleotide variant.
Coding change: c.1224T>C on transcript NM_001368397.1 (MANE Select); coding-DNA position 1224, T replaced by C.
Protein change: p.His408=; no amino-acid change (histidine 408 retained).
Molecular consequence: synonymous variant.
Genome position (GRCh38, 1-based): chrX:12,706,852, T>C. VCF-style: chrX-12706852-T-C. GRCh37 (hg19) VCF-style: chrX-12724971-T-C.
Other names: c.1335T>C, p.His445= (NM_001368395.3, NM_001368398.3); c.1230T>C, p.His410= (NM_001368396.3); c.1215T>C, p.His405= (NM_001368399.3); c.1104T>C, p.His368= (NM_001368400.3); c.1200T>C, p.His400= (NM_001368401.1, NM_001368402.3); c.1224T>C, p.His408= (NM_014728.3).
Identifiers: ClinVar variation 739255 (VCV000739255.32), dbSNP rs200736738, ClinGen allele CA10349240.